The following is an entry in ClinVar:

ClinVar aggregate classification (germline): Likely pathogenic. Review status: criteria provided, multiple submitters, no conflicts (2 of 4 stars). 2 submissions from 2 submitters: Likely pathogenic (2). Last evaluated 2024-11-21.

Allele frequency attached by ClinVar (database versions not stated): gnomAD exomes below 0.00001.
gnomAD v4.1: 1 of 1,613,850 alleles (0.000062%); highest among the groups gnomAD compares: South Asian, 0.0011%; no homozygotes.

Submissions (2):

Mayo Clinic Laboratories, Mayo Clinic
Classification: Likely pathogenic. Last evaluated: 2024-11-21. Review status: criteria provided, single submitter. Criteria: ACMG Guidelines, 2015. Collection method: clinical testing. Allele origin: germline. Observed: 1 variant allele.
Comment: PP2, PP3, PM1, PS1_moderate

Athena Diagnostics
Classification: Likely pathogenic. Last evaluated: 2020-06-15. Review status: criteria provided, single submitter. Criteria: Athena Diagnostics Criteria. Collection method: clinical testing. Allele origin: unknown.
Comment: The variant disrupts a cysteine residue in an EGF-like repeat domain, which is important for the structure of this protein. Therefore it is expected to severely affect the function of the protein. Not found in the total gnomAD dataset, and the data is high quality.

Literature cited by the submitters: PubMed 37479695 (cited by Mayo Clinic Laboratories, Mayo Clinic).

NM_000435.3(NOTCH3):c.798G>T (p.Trp266Cys)

Gene: NOTCH3 (notch receptor 3; minus strand). Cytogenetic location: 19p13.12.
Variant type: single nucleotide variant.
Coding change: c.798G>T on transcript NM_000435.3 (MANE Select); coding-DNA position 798, G replaced by T.
Protein change: p.Trp266Cys; replaces tryptophan 266 with cysteine.
Molecular consequence: missense variant.
Genome position (GRCh38, 1-based): chr19:15,191,749, C>A on the plus strand (G>T on the coding strand, the complement: NOTCH3 is on the minus strand). VCF-style: chr19-15191749-C-A. GRCh37 (hg19) VCF-style: chr19-15302560-C-A.
Other names: p.Trp266Cys; short protein forms W266C.
Identifiers: ClinVar variation 994849 (VCV000994849.2), dbSNP rs2046928465, ClinGen allele CA404532127.
Genomic context (GRCh38, chr19:15,191,749, plus strand): 5'-CTGGCGCATGTCCACCCGAGGCCTGCCTCCCCGCTCCCTCTGGCCGCAGTGCCCACCTGT[C>A]CACTCAGGAGGGCACTGGCAGTTATAGGTGTTGACGCCATCCACGCATGTCCCCCCATTG-3'
Protein context (NP_000426.2, residues 256-276): NTYNCQCPPE[Trp266Cys]TGQFCTEDVD